The following is an entry in ClinVar:

NM_003289.4(TPM2):c.341AGG[1] (p.Glu115del)

Gene: TPM2 (tropomyosin 2; minus strand). Cytogenetic location: 9p13.3.
Variant type: Microsatellite.
Coding change: c.341AGG[1] on transcript NM_003289.4 (MANE Select); one copy of the 3-base unit AGG starting at c.341; the reference has two copies in a row; one copy, 3 bases deleted.
Protein change: p.Glu115del; deletes glutamic acid 115.
Molecular consequence: inframe deletion.
Genome position (GRCh38, 1-based): chr9:35,685,675-35,685,677, CCT deleted on the plus strand (AGG on the coding strand, the reverse complement: TPM2 is on the minus strand); deleting any 3 consecutive bases within chr9:35,685,675-35,685,682 gives the same sequence; the position shown is the placement nearest the transcript's 3' end. VCF-style (leftmost placement, unchanged base first): chr9-35685674-GCCT-G. GRCh37 (hg19) VCF-style: chr9-35685671-GCCT-G.
Other names: c.341AGG[1], p.Glu115del (NM_001301226.2, NM_001301227.2, NM_213674.1); c.344_346delAGG (NM_003289.3); short protein forms E115del.
Identifiers: ClinVar variation 458721 (VCV000458721.9), dbSNP rs1554659007, ClinGen allele CA658657864.

ClinVar aggregate classification (germline): Uncertain significance (1 of 4 stars; one submission).

Conditions:
Arthrogryposis, distal, type 1A. Also called: ARTHROGRYPOSIS MULTIPLEX CONGENITA, DISTAL, TYPE I. Identifiers: Orphanet 1146, MedGen C6022280, MONDO:0007157, OMIM 108120.

Submission:

Labcorp Genetics (formerly Invitae), Labcorp
Classification: Uncertain significance for Arthrogryposis, distal, type 1A. Last evaluated: 2022-01-06. Review status: criteria provided, single submitter. Criteria: Invitae Variant Classification Sherloc (09022015). Collection method: clinical testing. Allele origin: germline.
Comment: Experimental studies and prediction algorithms are not available or were not evaluated, and the functional significance of this variant is currently unknown. In summary, the available evidence is currently insufficient to determine the role of this variant in disease. Therefore, it has been classified as a Variant of Uncertain Significance. ClinVar contains an entry for this variant (Variation ID: 458721). This variant has not been reported in the literature in individuals affected with TPM2-related conditions. This variant is not present in population databases (gnomAD no frequency). This variant, c.344_346del, results in the deletion of 1 amino acid(s) of the TPM2 protein (p.Glu115del), but otherwise preserves the integrity of the reading frame.